The following is an entry in ClinVar:

NM_022089.4(ATP13A2):c.2888T>C (p.Phe963Ser)

Gene: ATP13A2 (ATPase cation transporting 13A2; minus strand). Cytogenetic location: 1p36.13.
Variant type: single nucleotide variant.
Coding change: c.2888T>C on transcript NM_022089.4 (MANE Select); coding-DNA position 2888, T replaced by C.
Protein change: p.Phe963Ser; replaces phenylalanine 963 with serine.
Molecular consequence: missense variant.
Genome position (GRCh38, 1-based): chr1:16,987,241, A>G on the plus strand (T>C on the coding strand, the complement: ATP13A2 is on the minus strand). VCF-style: chr1-16987241-A-G. GRCh37 (hg19) VCF-style: chr1-17313736-A-G.
Other names: c.2873T>C, p.Phe958Ser (NM_001141973.3); c.2756T>C, p.Phe919Ser (NM_001141974.3); short protein forms F958S, F963S, F919S.
Identifiers: ClinVar variation 1428197 (VCV001428197.6), dbSNP rs2100659067, ClinGen allele CA338235804.

ClinVar aggregate classification (germline): Uncertain significance (1 of 4 stars; one submission).

Conditions:
Kufor-Rakeb syndrome (KRS). Also called: PARKINSON DISEASE 9, AUTOSOMAL RECESSIVE, JUVENILE-ONSET. Identifiers: Orphanet 306674, Orphanet 314632, MedGen C1847640, MONDO:0011706, OMIM 606693.
Autosomal recessive spastic paraplegia type 78. Identifiers: Orphanet 513436, MedGen C5567893, MONDO:0014975, OMIM 617225.

gnomAD v4.1: 9 of 1,613,844 alleles (0.00056%); highest among the groups gnomAD compares: Non-Finnish European, 0.00076%; no homozygotes.

Submission:

Labcorp Genetics (formerly Invitae), Labcorp
Classification: Uncertain significance for Kufor-Rakeb syndrome; Autosomal recessive spastic paraplegia type 78. Last evaluated: 2021-11-30. Review status: criteria provided, single submitter. Criteria: Invitae Variant Classification Sherloc (09022015). Collection method: clinical testing. Allele origin: germline.
Comment: This sequence change replaces phenylalanine, which is neutral and non-polar, with serine, which is neutral and polar, at codon 963 of the ATP13A2 protein (p.Phe963Ser). This variant has not been reported in the literature in individuals affected with ATP13A2-related conditions. Algorithms developed to predict the effect of missense changes on protein structure and function are either unavailable or do not agree on the potential impact of this missense change (SIFT: "Deleterious"; PolyPhen-2: "Probably Damaging"; Align-GVGD: "Class C0"). In summary, the available evidence is currently insufficient to determine the role of this variant in disease. Therefore, it has been classified as a Variant of Uncertain Significance. This variant is not present in population databases (gnomAD no frequency).